The following is an entry in ClinVar:

ClinVar aggregate classification (germline): Uncertain significance (1 of 4 stars; one submission).

Conditions:
Autosomal recessive early-onset Parkinson disease 6 (PARK6). Also called: PARKINSON DISEASE 6, EARLY-ONSET; PINK1 Type of Young-Onset Parkinson Disease; PARKINSON DISEASE 6, MODIFIER OF; PINK1-Related Parkinson Disease. Identifiers: Orphanet 2828, MedGen C1853833, MONDO:0011613, OMIM 605909.

Submission:

Labcorp Genetics (formerly Invitae), Labcorp
Classification: Uncertain significance for Autosomal recessive early-onset Parkinson disease 6. Last evaluated: 2025-10-01. Review status: criteria provided, single submitter. Criteria: Invitae Variant Classification Sherloc (09022015). Collection method: clinical testing. Allele origin: germline.
Comment: This sequence change replaces arginine, which is basic and polar, with proline, which is neutral and non-polar, at codon 68 of the PINK1 protein (p.Arg68Pro). This variant is present in population databases (no rsID available, gnomAD 0.004%). This missense change has been observed in individual(s) with Parkinson disease (PMID: 15349860, 18330912). ClinVar contains an entry for this variant (Variation ID: 2047254). An algorithm developed to predict the effect of missense changes on protein structure and function (PolyPhen-2) suggests that this variant is likely to be disruptive. Experimental studies have shown that this missense change does not substantially affect PINK1 function (PMID: 19847793, 23303188). In summary, the available evidence is currently insufficient to determine the role of this variant in disease. Therefore, it has been classified as a Variant of Uncertain Significance.

Literature cited by the submitters: PubMed 15349860; PubMed 18330912; PubMed 19847793; PubMed 23303188.

NM_032409.3(PINK1):c.203_204delinsCT (p.Arg68Pro)

Genes: MIR6084 (microRNA 6084; plus strand), PINK1 (PTEN induced kinase 1; plus strand). Cytogenetic location: 1p36.12.
Variant type: Indel.
Coding change: c.203_204delinsCT on transcript NM_032409.3 (MANE Select); coding-DNA positions 203 to 204, GC replaced by CT.
Protein change: p.Arg68Pro; replaces arginine 68 with proline.
Molecular consequence: missense variant. On other transcripts: non-coding transcript variant (1).
Genome position (GRCh38, 1-based): chr1:20,633,751-20,633,752, GC replaced by CT. VCF-style: chr1-20633751-GC-CT. GRCh37 (hg19) VCF-style: chr1-20960244-GC-CT.
Other names: short protein forms R68P.
Identifiers: ClinVar variation 2047254 (VCV002047254.4), dbSNP rs2545245177, ClinGen allele CA2580061431.